The following is an entry in ClinVar:

NM_001384732.1(CPLANE1):c.147G>A (p.Lys49=)

Gene: CPLANE1 (ciliogenesis and planar polarity effector complex subunit 1; minus strand). Cytogenetic location: 5p13.2.
Variant type: single nucleotide variant.
Coding change: c.147G>A on transcript NM_001384732.1 (MANE Select); coding-DNA position 147, G replaced by A.
Protein change: p.Lys49=; no amino-acid change (lysine 49 retained).
Molecular consequence: synonymous variant.
Genome position (GRCh38, 1-based): chr5:37,245,780, C>T on the plus strand (G>A on the coding strand, the complement: CPLANE1 is on the minus strand). VCF-style: chr5-37245780-C-T. GRCh37 (hg19) VCF-style: chr5-37245882-C-T.
Other names: c.147G>A, p.Lys49= (NM_023073.4).
Identifiers: ClinVar variation 515708 (VCV000515708.1), dbSNP rs1554117690, ClinGen allele CA444098621.

ClinVar aggregate classification (germline): Likely benign (1 of 4 stars; one submission).

Allele frequency attached by ClinVar (database versions not stated): gnomAD exomes below 0.00001.
gnomAD v4.1: 5 of 1,534,558 alleles (0.00033%); highest among the groups gnomAD compares: African/African-American, 0.0028%; no homozygotes.

Submission:

GeneDx
Classification: Likely benign. Last evaluated: 2018-02-21. Review status: criteria provided, single submitter. Criteria: GeneDx Variant Classification (06012015). Collection method: clinical testing. Allele origin: germline. Affected: yes.
Comment: This variant is considered likely benign or benign based on one or more of the following criteria: it is a conservative change, it occurs at a poorly conserved position in the protein, it is predicted to be benign by multiple in silico algorithms, and/or has population frequency not consistent with disease.